The following is an entry in ClinVar:

NM_001042492.3(NF1):c.2375T>A (p.Leu792His)

Gene: NF1 (neurofibromin 1; plus strand). Cytogenetic location: 17q11.2.
Variant type: single nucleotide variant.
Coding change: c.2375T>A on transcript NM_001042492.3 (MANE Select); coding-DNA position 2375, T replaced by A.
Protein change: p.Leu792His; replaces leucine 792 with histidine.
Molecular consequence: missense variant.
Genome position (GRCh38, 1-based): chr17:31,227,572, T>A. VCF-style: chr17-31227572-T-A. GRCh37 (hg19) VCF-style: chr17-29554590-T-A.
Other names: c.2375T>A, p.Leu792His (NM_000267.4); short protein forms L792H.
Identifiers: ClinVar variation 665425 (VCV000665425.24), dbSNP rs1597713777, ClinGen allele CA398983197.

ClinVar aggregate classification (germline): Conflicting classifications of pathogenicity. Review status: criteria provided, conflicting classifications (1 of 4 stars). 5 submissions from 5 submitters: Likely pathogenic (3); Uncertain significance (1). 1 of the submissions does not count toward it. Last evaluated 2026-03-17.

Conditions:
Gastric cancer. Also called: Malignant tumor of stomach; Stomach cancer. Identifiers: MedGen C0024623, MeSH D013274, MONDO:0001056, OMIM 613659, HP:0012126.
Neurofibromatosis-Noonan syndrome (NFNS). Also called: NEUROFIBROMATOSIS WITH NOONAN PHENOTYPE. Identifiers: Orphanet 638, MedGen C2931482, MONDO:0011035, OMIM 601321. Disease mechanism: loss of function.
Neurofibromatosis, type 1 (NF1). Also called: NEUROFIBROMATOSIS, TYPE I, SOMATIC; Neurofibromatosis, type I; VON RECKLINGHAUSEN DISEASE; Peripheral type neurofibromatosis. Identifiers: Orphanet 636, MedGen C0027831, MONDO:0018975, OMIM 162200. Disease mechanism: loss of function.

Submissions (5):

GeneDx
Classification: Likely pathogenic. Last evaluated: 2026-03-17. Review status: criteria provided, single submitter. Criteria: GeneDx Variant Classification Process June 2021. Collection method: clinical testing. Allele origin: germline.
Comment: Not observed at significant frequency in large population cohorts (gnomAD); In silico analysis suggests that this missense variant does not alter protein structure/function; This variant is associated with the following publications: (PMID: 25486365, 35885913)

Labcorp Genetics (formerly Invitae), Labcorp
Classification: Likely pathogenic for Neurofibromatosis, type 1. Last evaluated: 2025-11-24. Review status: criteria provided, single submitter. Criteria: Invitae Variant Classification Sherloc (09022015). Collection method: clinical testing. Allele origin: germline.
Comment: This sequence change replaces leucine, which is neutral and non-polar, with histidine, which is basic and polar, at codon 792 of the NF1 protein (p.Leu792His). This variant is not present in population databases (gnomAD no frequency). This missense change has been observed in individual(s) with clinical features of NF1-related conditions (internal data). In at least one individual the variant was observed to be de novo. ClinVar contains an entry for this variant (Variation ID: 665425). Invitae Evidence Modeling of protein sequence and biophysical properties (such as structural, functional, and spatial information, amino acid conservation, physicochemical variation, residue mobility, and thermodynamic stability) has been performed for this missense variant. However, the output from this modeling did not meet the statistical confidence thresholds required to predict the impact of this variant on NF1 protein function. In summary, the currently available evidence indicates that the variant is pathogenic, but additional data are needed to prove that conclusively. Therefore, this variant has been classified as Likely Pathogenic.

Laboratorio de Genetica e Diagnostico Molecular, Hospital Israelita Albert Einstein
Classification: Likely pathogenic for Neurofibromatosis-Noonan syndrome. Last evaluated: 2022-06-03. Review status: criteria provided, single submitter. Criteria: ACMG Guidelines, 2015. Collection method: clinical testing. Allele origin: germline. Affected: yes. Observed: 1 variant allele.
Comment: ACMG classification criteria: PS4 supporting, PM2 moderated, PM6 moderated, PP4

Blueprint Genetics
Classification: Uncertain significance. Last evaluated: 2021-07-09. Review status: criteria provided, single submitter. Criteria: ACMG Guidelines, 2015. Collection method: clinical testing. Allele origin: germline.

Laboratory for Genotyping Development, RIKEN
Classification: Pathogenic for Gastric cancer. Last evaluated: 2021-07-01. Review status: no assertion criteria provided. Collection method: research. Allele origin: germline. Not counted in ClinVar's aggregate classification.

Literature cited by the submitters: PubMed 36988593 (cited by Laboratory for Genotyping Development, RIKEN).